The following is an entry in ClinVar:

NM_024598.4(USB1):c.22G>T (p.Gly8Cys)

Genes: USB1 (U6 snRNA biogenesis phosphodiesterase 1; plus strand), LOC112469011 (Sharpr-MPRA regulatory region 3942; plus strand). Cytogenetic location: 16q21.
Variant type: single nucleotide variant.
Coding change: c.22G>T on transcript NM_024598.4 (MANE Select); coding-DNA position 22, G replaced by T.
Protein change: p.Gly8Cys; replaces glycine 8 with cysteine.
Molecular consequence: missense variant. On other transcripts: intron variant (1).
Genome position (GRCh38, 1-based): chr16:58,001,505, G>T. VCF-style: chr16-58001505-G-T. GRCh37 (hg19) VCF-style: chr16-58035409-G-T.
Other names: c.22G>T, p.Gly8Cys (NM_001195302.2, NM_001204911.2, NM_001330569.2); c.-55-974G>T (NM_001330568.2); short protein forms G8C.
Identifiers: ClinVar variation 3466494 (VCV003466494.1).

ClinVar aggregate classification (germline): Uncertain significance (1 of 4 stars; one submission).

Conditions:
Inborn genetic diseases. Identifiers: MedGen C0950123, MeSH D030342.

gnomAD v4.1: 1 of 1,606,248 alleles (0.000062%); no homozygotes.

Submission:

Ambry Genetics
Classification: Uncertain significance for Inborn genetic diseases. Last evaluated: 2024-12-09. Review status: criteria provided, single submitter. Criteria: Ambry Variant Classification Scheme 2023. Collection method: clinical testing. Allele origin: germline.
Comment: The p.G8C variant (also known as c.22G>T), located in coding exon 1 of the USB1 gene, results from a G to T substitution at nucleotide position 22. The glycine at codon 8 is replaced by cysteine, an amino acid with highly dissimilar properties. This amino acid position is conserved. In addition, the in silico prediction for this alteration is inconclusive. Based on the available evidence, the clinical significance of this variant remains unclear.